The following is an entry in ClinVar:

NM_001129.5(AEBP1):c.185_186del (p.Pro62fs)

Gene: AEBP1 (AE binding protein 1; plus strand). Cytogenetic location: 7p13.
Variant type: Deletion.
Coding change: c.185_186del on transcript NM_001129.5 (MANE Select); coding-DNA positions 185 to 186, 2 bases deleted (CC; older notation c.185_186delCC).
Protein change: p.Pro62fs; shifts the reading frame from proline 62.
Molecular consequence: frameshift variant.
Genome position (GRCh38, 1-based): chr7:44,104,850-44,104,851, CC deleted; deleting any 2 consecutive bases within chr7:44,104,849-44,104,851 gives the same sequence; the c. name uses the placement nearest the transcript's 3' end. VCF-style (leftmost placement, unchanged base first): chr7-44104848-GCC-G. GRCh37 (hg19) VCF-style: chr7-44144447-GCC-G.
Other names: short protein forms P62fs.
Identifiers: ClinVar variation 3657551 (VCV003657551.2).

ClinVar aggregate classification (germline): Pathogenic (1 of 4 stars; one submission).

Submission:

Labcorp Genetics (formerly Invitae), Labcorp
Classification: Pathogenic. Last evaluated: 2024-06-23. Review status: criteria provided, single submitter. Criteria: Invitae Variant Classification Sherloc (09022015). Collection method: clinical testing. Allele origin: germline.
Comment: This sequence change creates a premature translational stop signal (p.Pro62Hisfs*75) in the AEBP1 gene. It is expected to result in an absent or disrupted protein product. Loss-of-function variants in AEBP1 are known to be pathogenic (PMID: 29606302). This variant is not present in population databases (gnomAD no frequency). This variant has not been reported in the literature in individuals affected with AEBP1-related conditions. For these reasons, this variant has been classified as Pathogenic.

Literature cited by the submitters: PubMed 29606302.